The following is an entry in ClinVar:

ClinVar aggregate classification (germline): Uncertain significance (1 of 4 stars; one submission).

Conditions:
Combined malonic and methylmalonic acidemia. Identifiers: Orphanet 289504, MedGen C3280314, MONDO:0013661, OMIM 614265.

Submission:

Labcorp Genetics (formerly Invitae), Labcorp
Classification: Uncertain significance for Combined malonic and methylmalonic acidemia. Last evaluated: 2025-02-10. Review status: criteria provided, single submitter. Criteria: Invitae Variant Classification Sherloc (09022015). Collection method: clinical testing. Allele origin: germline.
Comment: This sequence change replaces asparagine, which is neutral and polar, with aspartic acid, which is acidic and polar, at codon 393 of the ACSF3 protein (p.Asn393Asp). This variant is not present in population databases (gnomAD no frequency). This variant has not been reported in the literature in individuals affected with ACSF3-related conditions. Invitae Evidence Modeling of protein sequence and biophysical properties (such as structural, functional, and spatial information, amino acid conservation, physicochemical variation, residue mobility, and thermodynamic stability) indicates that this missense variant is not expected to disrupt ACSF3 protein function with a negative predictive value of 80%. In summary, the available evidence is currently insufficient to determine the role of this variant in disease. Therefore, it has been classified as a Variant of Uncertain Significance.

NM_001243279.3(ACSF3):c.1177A>G (p.Asn393Asp)

Gene: ACSF3 (acyl-CoA synthetase family member 3; plus strand). Cytogenetic location: 16q24.3.
Variant type: single nucleotide variant.
Coding change: c.1177A>G on transcript NM_001243279.3 (MANE Select); coding-DNA position 1177, A replaced by G.
Protein change: p.Asn393Asp; replaces asparagine 393 with aspartic acid.
Molecular consequence: missense variant. On other transcripts: non-coding transcript variant (3).
Genome position (GRCh38, 1-based): chr16:89,120,851, A>G. VCF-style: chr16-89120851-A-G. GRCh37 (hg19) VCF-style: chr16-89187259-A-G.
Other names: c.1177A>G, p.Asn393Asp (NM_001127214.4, NM_174917.5); c.382A>G, p.Asn128Asp (NM_001284316.2); short protein forms N393D, N128D.
Identifiers: ClinVar variation 4746014 (VCV004746014.1).